The following is an entry in ClinVar:

NM_012338.4(TSPAN12):c.820C>T (p.Pro274Ser)

Gene: TSPAN12 (tetraspanin 12; minus strand). Cytogenetic location: 7q31.31.
Variant type: single nucleotide variant.
Coding change: c.820C>T on transcript NM_012338.4 (MANE Select); coding-DNA position 820, C replaced by T.
Protein change: p.Pro274Ser; replaces proline 274 with serine.
Molecular consequence: missense variant.
Genome position (GRCh38, 1-based): chr7:120,788,690, G>A on the plus strand (C>T on the coding strand, the complement: TSPAN12 is on the minus strand). VCF-style: chr7-120788690-G-A. GRCh37 (hg19) VCF-style: chr7-120428744-G-A.
Other names: short protein forms P274S.
Identifiers: ClinVar variation 3646243 (VCV003646243.2).

ClinVar aggregate classification (germline): Uncertain significance (1 of 4 stars; one submission).

gnomAD v4.1: 1 of 1,614,134 alleles (0.000062%); highest among the groups gnomAD compares: Non-Finnish European, 0.000085%; no homozygotes.

Submission:

Labcorp Genetics (formerly Invitae), Labcorp
Classification: Uncertain significance. Last evaluated: 2024-03-23. Review status: criteria provided, single submitter. Criteria: Invitae Variant Classification Sherloc (09022015). Collection method: clinical testing. Allele origin: germline.
Comment: This sequence change replaces proline, which is neutral and non-polar, with serine, which is neutral and polar, at codon 274 of the TSPAN12 protein (p.Pro274Ser). This variant is not present in population databases (gnomAD no frequency). This variant has not been reported in the literature in individuals affected with TSPAN12-related conditions. An algorithm developed to predict the effect of missense changes on protein structure and function (PolyPhen-2) suggests that this variant is likely to be tolerated. In summary, the available evidence is currently insufficient to determine the role of this variant in disease. Therefore, it has been classified as a Variant of Uncertain Significance.